The following is an entry in ClinVar:

NM_001353345.2(SETD1B):c.5842G>A (p.Glu1948Lys)

Gene: SETD1B (SET domain containing 1B, histone lysine methyltransferase; plus strand). Cytogenetic location: 12q24.31.
Variant type: single nucleotide variant.
Coding change: c.5842G>A on transcript NM_001353345.2 (MANE Select); coding-DNA position 5842, G replaced by A.
Protein change: p.Glu1948Lys; replaces glutamic acid 1948 with lysine.
Molecular consequence: missense variant.
Genome position (GRCh38, 1-based): chr12:121,830,180, G>A. VCF-style: chr12-121830180-G-A. GRCh37 (hg19) VCF-style: chr12-122268086-G-A.
Other names: short protein forms E1948K.
Identifiers: ClinVar variation 1188504 (VCV001188504.5), dbSNP rs2137594297, ClinGen allele CA387006217.

ClinVar aggregate classification (germline): Pathogenic/Likely pathogenic. Review status: criteria provided, multiple submitters, no conflicts (2 of 4 stars). 3 submissions from 3 submitters: Pathogenic (1); Likely pathogenic (1). 1 of the submissions does not count toward it. Last evaluated 2024-10-18.

Conditions:
Intellectual developmental disorder with seizures and language delay (IDDSELD). Identifiers: MedGen C5436574, MONDO:0033559, OMIM 619000.

Submissions (3):

Institute of Medical Genetics and Applied Genomics, University Hospital Tübingen
Classification: Likely pathogenic for Intellectual developmental disorder with seizures and language delay. Last evaluated: 2024-10-18. Review status: criteria provided, single submitter. Criteria: ACMG Guidelines, 2015. Collection method: clinical testing. Allele origin: germline. Inheritance: Autosomal dominant inheritance. Affected: yes.

GeneDx
Classification: Pathogenic. Last evaluated: 2023-01-09. Review status: criteria provided, single submitter. Criteria: GeneDx Variant Classification Process June 2021. Collection method: clinical testing. Allele origin: germline. Affected: yes.
Comment: In silico analysis, which includes protein predictors and evolutionary conservation, supports a deleterious effect; Not observed at significant frequency in large population cohorts (gnomAD); This variant is associated with the following publications: (PMID: 34345025)

OMIM
Classification: Pathogenic for INTELLECTUAL DEVELOPMENTAL DISORDER WITH SEIZURES AND LANGUAGE DELAY. Last evaluated: 2023-04-14. Review status: no assertion criteria provided. Collection method: literature only. Allele origin: germline. Not counted in ClinVar's aggregate classification.

Literature cited by the submitters: PubMed 34345025 (cited by OMIM).